The following is an entry in ClinVar:

ClinVar aggregate classification (germline): Likely pathogenic (1 of 4 stars; one submission).

Conditions:
Hereditary cancer-predisposing syndrome. Also called: Neoplastic Syndromes, Hereditary; Tumor predisposition; Hereditary Cancer Syndrome; Hereditary neoplastic syndrome. Identifiers: Orphanet 140162, MedGen C0027672, MeSH D009386, MONDO:0015356.

Submission:

Ambry Genetics
Classification: Likely pathogenic for Hereditary cancer-predisposing syndrome. Last evaluated: 2023-12-13. Review status: criteria provided, single submitter. Criteria: Ambry Variant Classification Scheme 2023. Collection method: clinical testing. Allele origin: germline.
Comment: The c.3510_3511insALU likely pathogenic variant results from the insertion of an Alu element between nucleotides 3510 and 3511 in coding exon 6 of the MSH6 gene. Mobile element insertions contribute to pathogenicity by either disrupting the coding sequence or inducing aberrant splicing (Belancio VP et al. Semin. Cancer Biol. 2010 Aug;20:200-10; Deininger P et al. Genome Biol. 2011 Dec;12:236; van der Klift HM Hum Mutat. 2012 Jul;33(7):1051-5). Alu element insertions in MSH6 have been reported in patients suspected to have Hereditary Non-Polyposis Colorectal Cancer syndrome (Plaschke J et al. J. Med. Genet. 2003 Aug;40:597-600; van der Klift H et al. Genes Chromosomes Cancer. 2005 Oct;44:123-38). RNA studies have demonstrated that this alteration results in abnormal splicing in the set of samples tested (Ambry internal data). Based on the majority of available evidence to date, this variant is likely to be pathogenic.

Literature cited by the submitters: PubMed 12920072; PubMed 15942939; PubMed 20600922; PubMed 22204421.

NM_000179.2:c.3510_3511insALU

Gene: MSH6 (mutS homolog 6; plus strand).
Variant type: Insertion.
Identifiers: ClinVar variation 1732155 (VCV001732155.2).